The following is an entry in ClinVar:

ClinVar aggregate classification (germline): Pathogenic. Review status: criteria provided, multiple submitters, no conflicts (2 of 4 stars). 8 submissions from 8 submitters: Pathogenic (8). Last evaluated 2026-09-08.

Conditions:
Cardiovascular phenotype. Identifiers: MedGen CN230736.
Fabry disease. Also called: Ceramide trihexosidosis; Angiokeratoma corporis diffusum; ALPHA-GALACTOSIDASE A DEFICIENCY; ANDERSON-FABRY DISEASE; Fabry's disease; CERAMIDE TRIHEXOSIDASE DEFICIENCY. Identifiers: Orphanet 324, MedGen C0002986, MONDO:0010526, OMIM 301500, HP:0001071. Disease mechanism: Fabry disease is due to inactivating mutations in the X-linked GLA gene resulting in deficiency of the enzyme Alpha Galactosidase-A., loss of function.

Submissions (8):

Genomenon, Inc
Classification: Pathogenic for Fabry disease. Last evaluated: 2026-09-08. Review status: criteria provided, single submitter. Criteria: Genomenon Sequence Variant Interpretation Standards - Updated. Collection method: curation. Allele origin: germline. Affected: yes.
Comment: GLA p.Gln157Ter (c.469C>T) is a nonsense variant that introduces a premature stop codon at amino acid position 157 and is predicted to result in a truncated or absent protein product. This variant has been observed in at least one proband with clinical features consistent with Fabry disease (PMID:9100224;29361493;9268104;16595074;18849176;26340726;15776423). The variant was found to segregate with disease in at least one affected family (PMID:18849176). A de novo occurrence of this variant has been observed in at least one affected individual (PMID:16595074;15776423). Functional or patient cell studies have been reported (PMID:16595074). It is absent or not present at a significant frequency in gnomAD. In conclusion, we classify GLA p.Gln157Ter (c.469C>T) as a pathogenic variant.

Labcorp Genetics (formerly Invitae), Labcorp
Classification: Pathogenic for Fabry disease. Last evaluated: 2024-01-24. Review status: criteria provided, single submitter. Criteria: Invitae Variant Classification Sherloc (09022015). Collection method: clinical testing. Allele origin: germline.
Comment: This sequence change creates a premature translational stop signal (p.Gln157*) in the GLA gene. It is expected to result in an absent or disrupted protein product. Loss-of-function variants in GLA are known to be pathogenic (PMID: 10666480, 12175777). This variant is not present in population databases (gnomAD no frequency). This premature translational stop signal has been observed in individual(s) with Fabry disease (PMID: 7531540, 16595074, 18849176, 23935525). ClinVar contains an entry for this variant (Variation ID: 196225). For these reasons, this variant has been classified as Pathogenic.

All of Us Research Program, National Institutes of Health
Classification: Pathogenic for Fabry disease. Last evaluated: 2023-07-09. Review status: criteria provided, single submitter. Criteria: ACMG Guidelines, 2015. Collection method: clinical testing. Allele origin: germline. Inheritance: X-linked inheritance. Observed: 1 variant allele, 1 heterozygote.
Comment: The c.469C>T (p.Gln157*) variant of the GLA gene is located in exon 3 and is predicted to cause loss of normal protein function either through abnormal, prematurely truncated protein, or by absence of protein product due to nonsense-mediated mRNA decay. The loss-of-function variants in GLA gene are known to be pathogenic for Fabry disease (PMID: 10666480, 12175777). This variant has been identified in individuals with Fabry disease (PMID: 7531540, 16595074, 18849176). This variant has not been identified in the general population according to gnomAD. For these reasons, the c.469C>T (p.Gln157*) variant in the GLA gene has been classified as pathogenic.

This study involves interpretation of variants in research participants for the purpose of population health screening. Participant phenotype was not available at the time of variant classification. Additional details can be found in publication PMID: 35346344, PMCID: PMC8962531

Ambry Genetics
Classification: Pathogenic for Cardiovascular phenotype. Last evaluated: 2022-04-29. Review status: criteria provided, single submitter. Criteria: Ambry Variant Classification Scheme 2023. Collection method: clinical testing. Allele origin: germline.
Comment: The p.Q157* pathogenic mutation (also known as c.469C>T), located in coding exon 3 of the GLA gene, results from a C to T substitution at nucleotide position 469. This changes the amino acid from a glutamine to a stop codon within coding exon 3. This variant has been detected in several individuals reported to have Fabry disease (FD) or features consistent with FD, including reported de novo occurrences (Eng CM et al. Hum Mol Genet, 1994 Oct;3:1795-9; Eng CM et al. Mol Med, 1997 Mar;3:174-82; Sch&auml;fer E et al. Hum Mutat, 2005 Apr;25:412; Shabbeer J et al. Hum Genomics, 2006 Mar;2:297-309; Erdos M et al. Mol Genet Metab, 2008 Dec;95:224-8; Johnson B et al. Ann Lab Med, 2013 Jul;33:274-8; Lukas J et al. PLoS Genet, 2013 Aug;9:e1003632; Jain R et al. JACC Cardiovasc Imaging, 2018 Apr;11:644-647). This variant is considered to be rare based on population cohorts in the Genome Aggregation Database (gnomAD). In addition to the clinical data presented in the literature, this alteration is expected to result in loss of function by premature protein truncation or nonsense-mediated mRNA decay. As such, this alteration is interpreted as a disease-causing mutation.

Genome-Nilou Lab
Classification: Pathogenic for Fabry disease. Last evaluated: 2021-07-15. Review status: criteria provided, single submitter. Criteria: ACMG Guidelines, 2015. Collection method: clinical testing. Allele origin: germline. Affected: no.

Revvity Omics, Revvity
Classification: Pathogenic. Last evaluated: 2019-06-16. Review status: criteria provided, single submitter. Criteria: ACMG Guidelines, 2015. Collection method: clinical testing. Allele origin: germline.

Eurofins Ntd Llc (ga)
Classification: Pathogenic. Last evaluated: 2017-11-29. Review status: criteria provided, single submitter. Criteria: EGL Classification Definitions 2015. Collection method: clinical testing. Allele origin: germline. Observed: 9 variant alleles, 7 heterozygotes, 2 hemizygotes.

GeneDx
Classification: Pathogenic. Last evaluated: 2017-04-21. Review status: criteria provided, single submitter. Criteria: GeneDx Variant Classification (06012015). Collection method: clinical testing. Allele origin: germline. Affected: yes.
Comment: The Q157X pathogenic variant in the GLA gene has been reported in multiple individuals with Fabry disease (Eng et al., 1994; Shabbeer et al., 2005; Schafer et al., 2005; Johnson et al., 2013). In addition, Q157X has been classified as a pathogenic variant by another clinical laboratory in ClinVar (SCV000228801.1; Landrum et al., 2016). Q157X is predicted to cause loss of normal protein function either by protein truncation or nonsense-mediated mRNA decay. Functional studies show the Q157X pathogenic variant results in increased levels of lyso-globotriaosylsphingosine, a biomarker for Fabry disease (Lukas et al., 2013). Other nonsense variants in the GLA gene have been reported in HGMD in association with Fabry disease (Stenson et al., 2014). Furthermore, the Q157X pathogenic variant was not observed in approximately 6,500 individuals of European and African American ancestry in the NHLBI Exome Sequencing Project, indicating it is not a common benign variant in these populations. In summary, Q157X in the GLA gene is interpreted as a pathogenic variant.

Literature cited by the submitters: PubMed 9100224 (cited by Genomenon, Inc and Ambry Genetics); PubMed 29361493 (cited by Genomenon, Inc and Ambry Genetics); PubMed 9268104 (cited by Genomenon, Inc and Ambry Genetics); PubMed 16595074 (cited by 4 submitters); PubMed 18849176 (cited by 5 submitters); PubMed 26340726 (cited by Genomenon, Inc); PubMed 15776423 (cited by Genomenon, Inc and Ambry Genetics); PubMed 10666480 (cited by Labcorp Genetics (formerly Invitae), Labcorp and All of Us Research Program, National Institutes of Health); PubMed 12175777 (cited by Labcorp Genetics (formerly Invitae), Labcorp and All of Us Research Program, National Institutes of Health); PubMed 7531540 (cited by 4 submitters); PubMed 23935525 (cited by 3 submitters); PubMed 15712228 (cited by Ambry Genetics and Eurofins Ntd Llc (ga)); PubMed 23826564 (cited by Ambry Genetics).

NM_000169.3(GLA):c.469C>T (p.Gln157Ter)

Genes: GLA (galactosidase alpha; minus strand), RPL36A-HNRNPH2 (RPL36A-HNRNPH2 readthrough; plus strand). Cytogenetic location: Xq22.1.
Variant type: single nucleotide variant.
Coding change: c.469C>T on transcript NM_000169.3 (MANE Select); coding-DNA position 469, C replaced by T.
Protein change: p.Gln157Ter; replaces glutamine 157 with a stop codon.
Molecular consequence: nonsense. On other transcripts: non-coding transcript variant (3), intron variant (2).
Genome position (GRCh38, 1-based): chrX:101,401,710, G>A on the plus strand (C>T on the coding strand, the complement: GLA is on the minus strand). VCF-style: chrX-101401710-G-A. GRCh37 (hg19) VCF-style: chrX-100656698-G-A.
Other names: c.592C>T, p.Gln198Ter (NM_001406747.1, NM_001406749.1); c.469C>T, p.Gln157Ter (NM_001406748.1); c.300+6253G>A (NM_001199973.2); c.177+9888G>A (NM_001199974.2); short protein forms Q157*, Q198*.
Identifiers: ClinVar variation 196225 (VCV000196225.26), dbSNP rs797044702, ClinGen allele CA021741.